The following is an entry in ClinVar:

NM_002617.4(PEX10):c.596C>T (p.Thr199Met)

Gene: PEX10 (peroxisomal biogenesis factor 10; minus strand). Cytogenetic location: 1p36.32.
Variant type: single nucleotide variant.
Coding change: c.596C>T on transcript NM_002617.4 (MANE Select); coding-DNA position 596, C replaced by T.
Protein change: p.Thr199Met; replaces threonine 199 with methionine.
Molecular consequence: missense variant. On other transcripts: non-coding transcript variant (1).
Genome position (GRCh38, 1-based): chr1:2,408,456, G>A on the plus strand (C>T on the coding strand, the complement: PEX10 is on the minus strand). VCF-style: chr1-2408456-G-A. GRCh37 (hg19) VCF-style: chr1-2339895-G-A.
Other names: c.596C>T, p.Thr199Met (NM_001374425.1, NM_153818.2); c.164C>T, p.Thr55Met (NM_001374426.1, NM_001374427.1); c.596C>T (NM_153818.1); short protein forms T199M, T55M.
Identifiers: ClinVar variation 1370083 (VCV001370083.4), dbSNP rs373559391, ClinGen allele CA538128.

ClinVar aggregate classification (germline): Uncertain significance. Review status: criteria provided, multiple submitters, no conflicts (2 of 4 stars). 2 submissions from 2 submitters: Uncertain significance (2). Last evaluated 2024-12-25.

Conditions:
Peroxisome biogenesis disorder, complementation group 7 (CG7). Also called: Peroxisome biogenesis disorder, complementation group B. Identifiers: MedGen C1864399.
Inborn genetic diseases. Identifiers: MedGen C0950123, MeSH D030342.

Allele frequency attached by ClinVar (database versions not stated): ExAC 0.00002; gnomAD exomes 0.00001; TOPMed 0.00001; 1000 Genomes Project 0.00020; gnomAD 0.00002; ESP Exome Variant Server 0.00008; 1000 Genomes Project 30x 0.00031.
gnomAD v4.1: 16 of 1,612,934 alleles (0.00099%); highest among the groups gnomAD compares: South Asian, 0.0077%; no homozygotes.

Submissions (2):

Ambry Genetics
Classification: Uncertain significance for Inborn genetic diseases. Last evaluated: 2024-12-25. Review status: criteria provided, single submitter. Criteria: Ambry Variant Classification Scheme 2023. Collection method: clinical testing. Allele origin: germline.

Labcorp Genetics (formerly Invitae), Labcorp
Classification: Uncertain significance for Peroxisome biogenesis disorder, complementation group 7. Last evaluated: 2022-08-09. Review status: criteria provided, single submitter. Criteria: Invitae Variant Classification Sherloc (09022015). Collection method: clinical testing. Allele origin: germline.
Comment: This sequence change replaces threonine, which is neutral and polar, with methionine, which is neutral and non-polar, at codon 199 of the PEX10 protein (p.Thr199Met). This variant is present in population databases (rs373559391, gnomAD 0.007%). This variant has not been reported in the literature in individuals affected with PEX10-related conditions. ClinVar contains an entry for this variant (Variation ID: 1370083). Algorithms developed to predict the effect of missense changes on protein structure and function are either unavailable or do not agree on the potential impact of this missense change (SIFT: "Deleterious"; PolyPhen-2: "Probably Damaging"; Align-GVGD: "Class C0"). In summary, the available evidence is currently insufficient to determine the role of this variant in disease. Therefore, it has been classified as a Variant of Uncertain Significance.